The following is an entry in ClinVar:

ClinVar aggregate classification (germline): Uncertain significance. Review status: criteria provided, multiple submitters, no conflicts (2 of 4 stars). 5 submissions from 5 submitters: Uncertain significance (5). Last evaluated 2025-10-30.

Conditions:
Hereditary cancer-predisposing syndrome. Also called: Neoplastic Syndromes, Hereditary; Tumor predisposition; Hereditary Cancer Syndrome; Hereditary neoplastic syndrome. Identifiers: Orphanet 140162, MedGen C0027672, MeSH D009386, MONDO:0015356.
Hereditary breast ovarian cancer syndrome. Also called: Hereditary breast and ovarian cancer syndrome; Hereditary breast and ovarian cancer; Hereditary breast and ovarian cancer syndrome (HBOC); Breast and ovarian cancer; Hereditary breast and/or ovarian cancer syndrome; BRCA1- and BRCA2-Associated Hereditary Breast and Ovarian Cancer. Identifiers: Orphanet 145, MedGen C0677776, MeSH D061325, MONDO:0003582. Disease mechanism: loss of function.

Submissions (5):

Labcorp Genetics (formerly Invitae), Labcorp
Classification: Uncertain significance for Hereditary breast ovarian cancer syndrome. Last evaluated: 2025-10-30. Review status: criteria provided, single submitter. Criteria: Invitae Variant Classification Sherloc (09022015). Collection method: clinical testing. Allele origin: germline.
Comment: This sequence change replaces alanine, which is neutral and non-polar, with glycine, which is neutral and non-polar, at codon 2897 of the BRCA2 protein (p.Ala2897Gly). This variant is not present in population databases (gnomAD no frequency). This variant has not been reported in the literature in individuals affected with BRCA2-related conditions. ClinVar contains an entry for this variant (Variation ID: 481519). Invitae Evidence Modeling of protein sequence and biophysical properties (such as structural, functional, and spatial information, amino acid conservation, physicochemical variation, residue mobility, and thermodynamic stability) indicates that this missense variant is not expected to disrupt BRCA2 protein function with a negative predictive value of 95%. Experimental studies have shown that this missense change does not substantially affect BRCA2 function (PMID: 37922907). In summary, the available evidence is currently insufficient to determine the role of this variant in disease. Therefore, it has been classified as a Variant of Uncertain Significance.

Mayo Clinic Laboratories, Mayo Clinic
Classification: Uncertain significance. Last evaluated: 2023-11-15. Review status: criteria provided, single submitter. Criteria: ACMG Guidelines, 2015. Collection method: clinical testing. Allele origin: germline. Observed: 1 variant allele.
Comment: BP4, PM2

Ambry Genetics
Classification: Uncertain significance for Hereditary cancer-predisposing syndrome. Last evaluated: 2022-05-24. Review status: criteria provided, single submitter. Criteria: Ambry Variant Classification Scheme 2023. Collection method: clinical testing. Allele origin: germline.
Comment: The p.A2897G variant (also known as c.8690C>G), located in coding exon 20 of the BRCA2 gene, results from a C to G substitution at nucleotide position 8690. The alanine at codon 2897 is replaced by glycine, an amino acid with similar properties. This amino acid position is well conserved in available vertebrate species. In addition, the in silico prediction for this alteration is inconclusive. Since supporting evidence is limited at this time, the clinical significance of this alteration remains unclear.

Color Diagnostics, LLC DBA Color Health
Classification: Uncertain significance for Hereditary cancer-predisposing syndrome. Last evaluated: 2021-11-23. Review status: criteria provided, single submitter. Criteria: ACMG Guidelines, 2015. Collection method: clinical testing. Allele origin: germline.
Comment: This missense variant replaces alanine with glycine at codon 2897 of the BRCA2 protein. Computational prediction suggests that this variant may not impact protein structure and function (internally defined REVEL score threshold <= 0.5, PMID: 27666373). To our knowledge, functional studies have not been reported for this variant. This variant has not been reported in individuals affected with hereditary cancer in the literature. This variant has not been identified in the general population by the Genome Aggregation Database (gnomAD). The available evidence is insufficient to determine the role of this variant in disease conclusively. Therefore, this variant is classified as a Variant of Uncertain Significance.

Women's Health and Genetics/Laboratory Corporation of America, LabCorp
Classification: Uncertain significance. Last evaluated: 2021-04-01. Review status: criteria provided, single submitter. Criteria: LabCorp Variant Classification Summary - May 2015. Collection method: clinical testing. Allele origin: germline.
Comment: Variant summary: BRCA2 c.8690C>G (p.Ala2897Gly) results in a non-conservative amino acid change in the encoded protein sequence. Three of five in-silico tools predict a damaging effect of the variant on protein function. The variant was absent in 251336 control chromosomes. The available data on variant occurrences in the general population are insufficient to allow any conclusion about variant significance. To our knowledge, no occurrence of c.8690C>G in individuals affected with Hereditary Breast And Ovarian Cancer Syndrome and no experimental evidence demonstrating its impact on protein function have been reported. One clinical diagnostic laboratory has submitted clinical-significance assessments for this variant to ClinVar after 2014 without evidence for independent evaluation and cited the variant as uncertain significance. Based on the evidence outlined above, the variant was classified as uncertain significance.

Literature cited by the submitters: PubMed 37922907 (cited by Labcorp Genetics (formerly Invitae), Labcorp and Mayo Clinic Laboratories, Mayo Clinic).

NM_000059.4(BRCA2):c.8690C>G (p.Ala2897Gly)

Gene: BRCA2 (BRCA2 DNA repair associated; plus strand). Cytogenetic location: 13q13.1.
Variant type: single nucleotide variant.
Coding change: c.8690C>G on transcript NM_000059.4 (MANE Select); coding-DNA position 8690, C replaced by G.
Protein change: p.Ala2897Gly; replaces alanine 2897 with glycine.
Molecular consequence: missense variant.
Genome position (GRCh38, 1-based): chr13:32,376,727, C>G. VCF-style: chr13-32376727-C-G. GRCh37 (hg19) VCF-style: chr13-32950864-C-G.
Other names: p.Ala2897Gly; short protein forms A2897G.
Identifiers: ClinVar variation 481519 (VCV000481519.14), dbSNP rs1555288157, ClinGen allele CA387754810.